The following is an entry in ClinVar:

NM_001605.3(AARS1):c.817-1G>A

Gene: AARS1 (alanyl-tRNA synthetase 1; minus strand). Cytogenetic location: 16q22.1.
Variant type: single nucleotide variant.
Coding change: c.817-1G>A on transcript NM_001605.3 (MANE Select); the canonical splice acceptor site of the intron before coding-DNA position 817, G replaced by A.
Molecular consequence: splice acceptor variant.
Genome position (GRCh38, 1-based): chr16:70,269,764, C>T on the plus strand (G>A on the coding strand, the complement: AARS1 is on the minus strand). VCF-style: chr16-70269764-C-T. GRCh37 (hg19) VCF-style: chr16-70303667-C-T.
Identifiers: ClinVar variation 575554 (VCV000575554.14), dbSNP rs866662905, ClinGen allele CA283440158.

ClinVar aggregate classification (germline): Conflicting classifications of pathogenicity. Review status: criteria provided, conflicting classifications (1 of 4 stars). 4 submissions from 4 submitters: Likely pathogenic (3); Uncertain significance (1). Last evaluated 2025-12-01.

Conditions:
Developmental and epileptic encephalopathy, 29 (DEE29). Also called: Epileptic encephalopathy, early infantile, 29. Identifiers: Orphanet 442835, MedGen C4225361, MONDO:0014593, OMIM 616339.
Charcot-Marie-Tooth disease type 2. Also called: Charcot-Marie-Tooth type 2. Identifiers: Orphanet 64746, MedGen C0270914, MONDO:0018993.
Inborn genetic diseases. Identifiers: MedGen C0950123, MeSH D030342.

Allele frequency attached by ClinVar (database versions not stated): gnomAD exomes below 0.00001 and 0.00002; gnomAD 0.00001; TOPMed 0.00002.
gnomAD v4.1: 23 of 1,613,954 alleles (0.0014%); highest among the groups gnomAD compares: Non-Finnish European, 0.0019%; no homozygotes.

Submissions (4):

Women's Health and Genetics/Laboratory Corporation of America, LabCorp
Classification: Likely pathogenic for Developmental and epileptic encephalopathy, 29. Last evaluated: 2025-12-01. Review status: criteria provided, single submitter. Criteria: LabCorp Variant Classification Summary - May 2015. Collection method: clinical testing. Allele origin: germline.
Comment: Variant summary: AARS1 c.817-1G>A is located in a canonical splice-site and is predicted to affect mRNA splicing resulting in a significantly altered protein due to either exon skipping, shortening, or inclusion of intronic material. Variants that disrupt the consensus splice site are a relatively common cause of aberrant splicing and loss of AARS1 function. Several computational tools predict a significant impact on normal splicing: Four predict the variant abolishes the canonical 3' acceptor site. Four predict the variant creates a cryptic 3' acceptor site. However, these predictions have yet to be confirmed by functional studies. The variant allele was found at a frequency of 4e-06 in 251404 control chromosomes. To our knowledge, no occurrence of c.817-1G>A in individuals affected with AARS1-related conditions and no experimental evidence demonstrating its impact on protein function have been reported. ClinVar contains an entry for this variant (Variation ID: 575554). Based on the evidence outlined above, the variant was classified as likely pathogenic.

Labcorp Genetics (formerly Invitae), Labcorp
Classification: Likely pathogenic for Charcot-Marie-Tooth disease type 2. Last evaluated: 2024-11-11. Review status: criteria provided, single submitter. Criteria: Invitae Variant Classification Sherloc (09022015). Collection method: clinical testing. Allele origin: germline.
Comment: This sequence change affects an acceptor splice site in intron 6 of the AARS gene. It is expected to disrupt RNA splicing. Variants that disrupt the donor or acceptor splice site typically lead to a loss of protein function (PMID: 16199547), and loss-of-function variants in AARS are known to be pathogenic (PMID: 25817015, 28493438, 34446925). This variant is not present in population databases (gnomAD no frequency). This variant has not been reported in the literature in individuals affected with AARS-related conditions. ClinVar contains an entry for this variant (Variation ID: 575554). Algorithms developed to predict the effect of sequence changes on RNA splicing suggest that this variant may disrupt the consensus splice site. In summary, the currently available evidence indicates that the variant is pathogenic, but additional data are needed to prove that conclusively. Therefore, this variant has been classified as Likely Pathogenic.

Blueprint Genetics
Classification: Uncertain significance. Last evaluated: 2024-09-05. Review status: criteria provided, single submitter. Criteria: ACMG Guidelines, 2015. Collection method: clinical testing. Allele origin: germline.

Ambry Genetics
Classification: Likely pathogenic for Inborn genetic diseases. Last evaluated: 2024-01-11. Review status: criteria provided, single submitter. Criteria: Ambry Variant Classification Scheme 2023. Collection method: clinical testing. Allele origin: germline.
Comment: The c.817-1G>A intronic variant results from a G to A substitution one nucleotide before coding exon 6 of the AARS gene. Alterations that disrupt the canonical splice site are expected to cause aberrant splicing, resulting in an abnormal protein or a transcript that is subject to nonsense-mediated mRNA decay._x000D_ _x000D_ for autosomal recessive cytoplasmic alanyl-tRNA synthetase deficiency; however, its clinical significance for autosomal dominant AARS-related Charcot-Marie-Tooth disease, type 2 is uncertain because loss of function of AARS has not been clearly established as a mechanism of autosomal dominant disease. This variant was not reported in population-based cohorts in the Genome Aggregation Database (gnomAD). This nucleotide position is highly conserved in available vertebrate species. In silico splice site analysis predicts that this alteration will weaken the native splice acceptor site and will result in the creation or strengthening of a novel splice acceptor site. Based on the available evidence, this alteration is classified as likely pathogenic.

Literature cited by the submitters: PubMed 16199547 (cited by Labcorp Genetics (formerly Invitae), Labcorp); PubMed 25817015 (cited by Labcorp Genetics (formerly Invitae), Labcorp); PubMed 28493438 (cited by Labcorp Genetics (formerly Invitae), Labcorp); PubMed 34446925 (cited by Labcorp Genetics (formerly Invitae), Labcorp).